The following is an entry in ClinVar:

NM_001369.3(DNAH5):c.9766A>T (p.Lys3256Ter)

Gene: DNAH5 (dynein axonemal heavy chain 5; minus strand). Cytogenetic location: 5p15.2.
Variant type: single nucleotide variant.
Coding change: c.9766A>T on transcript NM_001369.3 (MANE Select); coding-DNA position 9766, A replaced by T.
Protein change: p.Lys3256Ter; replaces lysine 3256 with a stop codon.
Molecular consequence: nonsense.
Genome position (GRCh38, 1-based): chr5:13,769,091, T>A on the plus strand (A>T on the coding strand, the complement: DNAH5 is on the minus strand). VCF-style: chr5-13769091-T-A. GRCh37 (hg19) VCF-style: chr5-13769200-T-A.
Other names: short protein forms K3256*.
Identifiers: ClinVar variation 1726702 (VCV001726702.2), dbSNP rs776993217, ClinGen allele CA359202193.

ClinVar aggregate classification (germline): Likely pathogenic (1 of 4 stars; one submission).

Conditions:
Primary ciliary dyskinesia 3. Identifiers: Orphanet 244, MedGen C1837618, MONDO:0012085, OMIM 608644.

Submission:

Myriad Genetics, Inc.
Classification: Likely pathogenic for Primary ciliary dyskinesia 3. Last evaluated: 2021-12-30. Review status: criteria provided, single submitter. Criteria: Myriad Women's Health Autosomal Recessive and X-Linked Classification Criteria (2021). Collection method: clinical testing. Allele origin: unknown.
Comment: NM_001369.2(DNAH5):c.9766A>T(K3256*) is expected to be pathogenic in the context of DNAH5-related primary ciliary dyskinesia. This variant is predicted to lead to an abnormal or absent protein product due to the creation of a premature termination codon in DNAH5, a gene where loss-of-function variants are known to be pathogenic. Please note: this variant was assessed in the context of healthy population screening.